The following is an entry in ClinVar:

NM_000264.5(PTCH1):c.3112T>G (p.Cys1038Gly)

Gene: PTCH1 (patched 1; minus strand). Cytogenetic location: 9q22.32.
Variant type: single nucleotide variant.
Coding change: c.3112T>G on transcript NM_000264.5 (MANE Select); coding-DNA position 3112, T replaced by G.
Protein change: p.Cys1038Gly; replaces cysteine 1038 with glycine.
Molecular consequence: missense variant. On other transcripts: non-coding transcript variant (1).
Genome position (GRCh38, 1-based): chr9:95,458,069, A>C on the plus strand (T>G on the coding strand, the complement: PTCH1 is on the minus strand). VCF-style: chr9-95458069-A-C. GRCh37 (hg19) VCF-style: chr9-98220351-A-C.
Other names: c.2914T>G, p.Cys972Gly (NM_001083602.3); c.3109T>G, p.Cys1037Gly (NM_001083603.3); c.2659T>G, p.Cys887Gly (NM_001083604.3, NM_001083605.3, NM_001083606.3 and 1 more transcripts); c.2956T>G, p.Cys986Gly (NM_001354918.2); short protein forms C1038G, C972G, C986G, C1037G, C887G.
Identifiers: ClinVar variation 2564373 (VCV002564373.2), dbSNP rs2136660230, ClinGen allele CA374112367.

ClinVar aggregate classification (germline): Uncertain significance (1 of 4 stars; one submission).

Conditions:
Hereditary cancer-predisposing syndrome. Also called: Neoplastic Syndromes, Hereditary; Hereditary Cancer Syndrome; Hereditary neoplastic syndrome; Tumor predisposition. Identifiers: Orphanet 140162, MedGen C0027672, MeSH D009386, MONDO:0015356.

Submission:

Ambry Genetics
Classification: Uncertain significance for Hereditary cancer-predisposing syndrome. Last evaluated: 2023-04-07. Review status: criteria provided, single submitter. Criteria: Ambry Variant Classification Scheme 2023. Collection method: clinical testing. Allele origin: germline.
Comment: The p.C1038G variant (also known as c.3112T>G), located in coding exon 18 of the PTCH1 gene, results from a T to G substitution at nucleotide position 3112. The cysteine at codon 1038 is replaced by glycine, an amino acid with highly dissimilar properties. This amino acid position is conserved. In addition, this alteration is predicted to be deleterious by in silico analysis. Since supporting evidence is limited at this time, the clinical significance of this alteration remains unclear.